The following is an entry in ClinVar:

ClinVar aggregate classification (germline): Uncertain significance (1 of 4 stars; one submission).

Conditions:
Norman-Roberts syndrome (LIS2). Also called: Lissencephaly 2 (Norman-Roberts type). Identifiers: Orphanet 89844, MedGen C0796089, MONDO:0009760, OMIM 257320.
Familial temporal lobe epilepsy 7. Identifiers: Orphanet 101046, MedGen C4225327, MONDO:0014639, OMIM 616436.

Allele frequency attached by ClinVar (database versions not stated): TOPMed below 0.00001.

Submission:

Labcorp Genetics (formerly Invitae), Labcorp
Classification: Uncertain significance for Familial temporal lobe epilepsy 7; Norman-Roberts syndrome. Last evaluated: 2024-11-19. Review status: criteria provided, single submitter. Criteria: Invitae Variant Classification Sherloc (09022015). Collection method: clinical testing. Allele origin: germline.
Comment: This sequence change replaces aspartic acid, which is acidic and polar, with asparagine, which is neutral and polar, at codon 1292 of the RELN protein (p.Asp1292Asn). This variant is not present in population databases (gnomAD no frequency). This variant has not been reported in the literature in individuals affected with RELN-related conditions. ClinVar contains an entry for this variant (Variation ID: 2126281). Invitae Evidence Modeling of protein sequence and biophysical properties (such as structural, functional, and spatial information, amino acid conservation, physicochemical variation, residue mobility, and thermodynamic stability) has been performed for this missense variant. However, the output from this modeling did not meet the statistical confidence thresholds required to predict the impact of this variant on RELN protein function. In summary, the available evidence is currently insufficient to determine the role of this variant in disease. Therefore, it has been classified as a Variant of Uncertain Significance.

NM_005045.4(RELN):c.3874G>A (p.Asp1292Asn)

Gene: RELN (reelin; minus strand). Cytogenetic location: 7q22.1.
Variant type: single nucleotide variant.
Coding change: c.3874G>A on transcript NM_005045.4 (MANE Select); coding-DNA position 3874, G replaced by A.
Protein change: p.Asp1292Asn; replaces aspartic acid 1292 with asparagine.
Molecular consequence: missense variant.
Genome position (GRCh38, 1-based): chr7:103,593,720, C>T on the plus strand (G>A on the coding strand, the complement: RELN is on the minus strand). VCF-style: chr7-103593720-C-T. GRCh37 (hg19) VCF-style: chr7-103234167-C-T.
Other names: c.3874G>A, p.Asp1292Asn (NM_173054.3); short protein forms D1292N.
Identifiers: ClinVar variation 2126281 (VCV002126281.4), dbSNP rs1831473603, ClinGen allele CA368757017.
Genomic context (GRCh38, chr7:103,593,720, plus strand): 5'-GAAGAAGCTTGTGCATAAATACCTTGAACTGTAGCACATATCCAGGTTTCAGGGTCAAAT[C>T]TCGAGTTACTGCAAATCGATCTCCATCTGATTTTCCAAATATCATTGCTGATGGTGTGGC-3'
Protein context (NP_005036.2, residues 1282-1302): SDGDRFAVTR[Asp1292Asn]LTLKPGYVLQ